The following is an entry in ClinVar:

ClinVar aggregate classification (germline): Uncertain significance. Review status: criteria provided, multiple submitters, no conflicts (2 of 4 stars). 2 submissions from 2 submitters: Uncertain significance (2). Last evaluated 2022-10-05.

Submissions (2):

Labcorp Genetics (formerly Invitae), Labcorp
Classification: Uncertain significance. Last evaluated: 2022-10-05. Review status: criteria provided, single submitter. Criteria: Invitae Variant Classification Sherloc (09022015). Collection method: clinical testing. Allele origin: germline.
Comment: In summary, the available evidence is currently insufficient to determine the role of this variant in disease. Therefore, it has been classified as a Variant of Uncertain Significance. Advanced modeling of protein sequence and biophysical properties (such as structural, functional, and spatial information, amino acid conservation, physicochemical variation, residue mobility, and thermodynamic stability) performed at Invitae indicates that this missense variant is expected to disrupt TULP1 protein function. ClinVar contains an entry for this variant (Variation ID: 866966). This missense change has been observed in individual(s) with clinical features of TULP1-related conditions (Invitae). This variant is not present in population databases (gnomAD no frequency). This sequence change replaces valine, which is neutral and non-polar, with isoleucine, which is neutral and non-polar, at codon 483 of the TULP1 protein (p.Val483Ile).

Blueprint Genetics
Classification: Uncertain significance. Last evaluated: 2018-07-11. Review status: criteria provided, single submitter. Criteria: ACMG Guidelines, 2015. Collection method: clinical testing. Allele origin: germline.

NM_003322.6(TULP1):c.1447G>A (p.Val483Ile)

Gene: TULP1 (TUB like protein 1; minus strand). Cytogenetic location: 6p21.31.
Variant type: single nucleotide variant.
Coding change: c.1447G>A on transcript NM_003322.6 (MANE Select); coding-DNA position 1447, G replaced by A.
Protein change: p.Val483Ile; replaces valine 483 with isoleucine.
Molecular consequence: missense variant.
Genome position (GRCh38, 1-based): chr6:35,500,029, C>T on the plus strand (G>A on the coding strand, the complement: TULP1 is on the minus strand). VCF-style: chr6-35500029-C-T. GRCh37 (hg19) VCF-style: chr6-35467806-C-T.
Other names: c.1288G>A, p.Val430Ile (NM_001289395.2); short protein forms V430I, V483I.
Identifiers: ClinVar variation 866966 (VCV000866966.10), dbSNP rs1768797913, ClinGen allele CA363778595.